The following is an entry in ClinVar:

NM_002658.6(PLAU):c.744G>A (p.Thr248=)

Genes: C10orf55 (chromosome 10 putative open reading frame 55; minus strand), PLAU (plasminogen activator, urokinase; plus strand), LOC126860960 (BRD4-independent group 4 enhancer GRCh37_chr10:75672789-75673988; plus strand). Cytogenetic location: 10q22.2.
Variant type: single nucleotide variant.
Coding change: c.744G>A on transcript NM_002658.6 (MANE Select); coding-DNA position 744, G replaced by A.
Protein change: p.Thr248=; no amino-acid change (threonine 248 retained).
Molecular consequence: synonymous variant.
Genome position (GRCh38, 1-based): chr10:73,914,043, G>A. VCF-style: chr10-73914043-G-A. GRCh37 (hg19) VCF-style: chr10-75673801-G-A.
Other names: c.693G>A, p.Thr231= (NM_001145031.3); c.486G>A, p.Thr162= (NM_001319191.2).
Identifiers: ClinVar variation 793048 (VCV000793048.4), dbSNP rs147117027, ClinGen allele CA5562528.

ClinVar aggregate classification (germline): Likely benign. Review status: criteria provided, multiple submitters, no conflicts (2 of 4 stars). 2 submissions from 2 submitters: Likely benign (2). Last evaluated 2026-03-03.

Conditions:
PLAU-related disorder. Also called: PLAU-related condition.

Allele frequency attached by ClinVar (database versions not stated): gnomAD exomes 0.00004; ExAC 0.00007; ESP Exome Variant Server 0.00015; TOPMed 0.00015; gnomAD 0.00018 and 0.00019; 1000 Genomes Project 0.00060; 1000 Genomes Project 30x 0.00062.

Submissions (2):

PreventionGenetics, part of Exact Sciences
Classification: Likely benign for PLAU-related condition. Last evaluated: 2026-03-03. Review status: criteria provided, single submitter. Criteria: ACMG Guidelines, 2015. Collection method: clinical testing. Allele origin: germline.
Comment: This variant is classified as likely benign based on ACMG/AMP sequence variant interpretation guidelines (Richards et al. 2015 PMID: 25741868, with internal and published modifications).

Labcorp Genetics (formerly Invitae), Labcorp
Classification: Likely benign. Last evaluated: 2018-10-22. Review status: criteria provided, single submitter. Criteria: Invitae Variant Classification Sherloc (09022015). Collection method: clinical testing. Allele origin: germline.